The following is an entry in ClinVar:

ClinVar aggregate classification (germline): Uncertain significance (1 of 4 stars; one submission).

Allele frequency attached by ClinVar (database versions not stated): gnomAD 0.00001; gnomAD exomes 0.00001 and 0.00002; ExAC 0.00002; TOPMed 0.00002.
gnomAD v4.1: 13 of 1,613,818 alleles (0.00081%); highest among the groups gnomAD compares: Non-Finnish European, 0.0011%; no homozygotes.

Submission:

Labcorp Genetics (formerly Invitae), Labcorp
Classification: Uncertain significance. Last evaluated: 2022-06-27. Review status: criteria provided, single submitter. Criteria: Invitae Variant Classification Sherloc (09022015). Collection method: clinical testing. Allele origin: germline.
Comment: In summary, the available evidence is currently insufficient to determine the role of this variant in disease. Therefore, it has been classified as a Variant of Uncertain Significance. Algorithms developed to predict the effect of missense changes on protein structure and function are either unavailable or do not agree on the potential impact of this missense change (SIFT: "Deleterious"; PolyPhen-2: "Benign"; Align-GVGD: "Class C35"). This variant has not been reported in the literature in individuals affected with DMXL2-related conditions. The frequency data for this variant in the population databases is considered unreliable, as metrics indicate poor data quality at this position in the gnomAD database. This sequence change replaces valine, which is neutral and non-polar, with glycine, which is neutral and non-polar, at codon 1311 of the DMXL2 protein (p.Val1311Gly).

NM_001378457.1(DMXL2):c.3932T>G (p.Val1311Gly)

Gene: DMXL2 (Dmx like 2; minus strand). Cytogenetic location: 15q21.2.
Variant type: single nucleotide variant.
Coding change: c.3932T>G on transcript NM_001378457.1 (MANE Select); coding-DNA position 3932, T replaced by G.
Protein change: p.Val1311Gly; replaces valine 1311 with glycine.
Molecular consequence: missense variant. On other transcripts: non-coding transcript variant (2), intron variant (2).
Genome position (GRCh38, 1-based): chr15:51,499,292, A>C on the plus strand (T>G on the coding strand, the complement: DMXL2 is on the minus strand). VCF-style: chr15-51499292-A-C. GRCh37 (hg19) VCF-style: chr15-51791489-A-C.
Other names: c.3932T>G, p.Val1311Gly (NM_001174116.3, NM_001378458.1, NM_001378459.1 and 4 more transcripts); c.3692T>G, p.Val1231Gly (NM_001378464.1); c.2765-7545T>G (NM_001378460.1); c.2765-4158T>G (NM_001174117.3); short protein forms V1311G, V1231G.
Identifiers: ClinVar variation 1421458 (VCV001421458.6), dbSNP rs758029703, ClinGen allele CA7562088.